The following is an entry in ClinVar:

ClinVar aggregate classification (germline): Likely pathogenic (1 of 4 stars; one submission).

Conditions:
Noonan syndrome 2 (NS2). Identifiers: Orphanet 648, MedGen C1854469, MONDO:0011531, OMIM 605275.

Submission:

HudsonAlpha Institute for Biotechnology
Classification: Likely pathogenic for Noonan syndrome 2. Last evaluated: 2022-06-21. Review status: criteria provided, single submitter. Criteria: ACMG Guidelines, 2015. Collection method: research. Allele origin: maternal. Observed: 1 variant allele. Study: HudsonAlpha-AGHI-WGS.
Comment: ACMG codes:PVS1_VeryStrong, PM2_Moderate

NM_006767.4(LZTR1):c.993+2T>C

Gene: LZTR1 (leucine zipper like post translational regulator 1; plus strand). Cytogenetic location: 22q11.21.
Variant type: single nucleotide variant.
Coding change: c.993+2T>C on transcript NM_006767.4 (MANE Select); the canonical splice donor site of the intron after coding-DNA position 993, T replaced by C.
Molecular consequence: splice donor variant.
Genome position (GRCh38, 1-based): chr22:20,991,831, T>C. VCF-style: chr22-20991831-T-C. GRCh37 (hg19) VCF-style: chr22-21346120-T-C.
Identifiers: ClinVar variation 1803738 (VCV001803738.1), dbSNP rs1924619856, ClinGen allele CA410781690.